The following is an entry in ClinVar:

ClinVar aggregate classification (germline): Uncertain significance (1 of 4 stars; one submission).

Submission:

Labcorp Genetics (formerly Invitae), Labcorp
Classification: Uncertain significance. Last evaluated: 2023-12-18. Review status: criteria provided, single submitter. Criteria: Invitae Variant Classification Sherloc (09022015). Collection method: clinical testing. Allele origin: germline.
Comment: This sequence change replaces glutamine, which is neutral and polar, with glutamic acid, which is acidic and polar, at codon 2552 of the KMT2A protein (p.Gln2552Glu). This variant is not present in population databases (gnomAD no frequency). This variant has not been reported in the literature in individuals affected with KMT2A-related conditions. Advanced modeling of protein sequence and biophysical properties (such as structural, functional, and spatial information, amino acid conservation, physicochemical variation, residue mobility, and thermodynamic stability) performed at Invitae indicates that this missense variant is not expected to disrupt KMT2A protein function with a negative predictive value of 95%. In summary, the available evidence is currently insufficient to determine the role of this variant in disease. Therefore, it has been classified as a Variant of Uncertain Significance.

NM_001197104.2(KMT2A):c.7654C>G (p.Gln2552Glu)

Gene: KMT2A (lysine methyltransferase 2A; plus strand). Cytogenetic location: 11q23.3.
Variant type: single nucleotide variant.
Coding change: c.7654C>G on transcript NM_001197104.2 (MANE Select); coding-DNA position 7654, C replaced by G.
Protein change: p.Gln2552Glu; replaces glutamine 2552 with glutamic acid.
Molecular consequence: missense variant.
Genome position (GRCh38, 1-based): chr11:118,503,546, C>G. VCF-style: chr11-118503546-C-G. GRCh37 (hg19) VCF-style: chr11-118374261-C-G.
Other names: c.7744C>G, p.Gln2582Glu (NM_001412597.1); c.7645C>G, p.Gln2549Glu (NM_005933.4); short protein forms Q2549E, Q2552E, Q2582E.
Identifiers: ClinVar variation 2703901 (VCV002703901.3), dbSNP rs2134393437, ClinGen allele CA382806353.